The following is an entry in ClinVar:

NM_032776.3(JMJD1C):c.6834C>G (p.Tyr2278Ter)

Gene: JMJD1C (jumonji domain containing 1C; minus strand). Cytogenetic location: 10q21.3.
Variant type: single nucleotide variant.
Coding change: c.6834C>G on transcript NM_032776.3 (MANE Select); coding-DNA position 6834, C replaced by G.
Protein change: p.Tyr2278Ter; replaces tyrosine 2278 with a stop codon.
Molecular consequence: nonsense. On other transcripts: non-coding transcript variant (1).
Genome position (GRCh38, 1-based): chr10:63,184,735, G>C on the plus strand (C>G on the coding strand, the complement: JMJD1C is on the minus strand). VCF-style: chr10-63184735-G-C. GRCh37 (hg19) VCF-style: chr10-64944495-G-C.
Other names: c.6288C>G, p.Tyr2096Ter (NM_001282948.2, NM_001318154.2); c.5970C>G, p.Tyr1990Ter (NM_001318153.2); c.6720C>G, p.Tyr2240Ter (NM_001322252.2); c.6177C>G, p.Tyr2059Ter (NM_001322254.2, NM_001322258.2); short protein forms Y1990*, Y2059*, Y2096*, Y2240*, Y2278*.
Identifiers: ClinVar variation 1061532 (VCV001061532.7), dbSNP rs140575344, ClinGen allele CA377020996.
Genomic context (GRCh38, chr10:63,184,735, plus strand): 5'-ATTGAATTTTCCTTCTGGATTACAATATTCTGGCAATGGCAGACTTTTTAAAAGATCTTC[G>C]TATCTGAAGAAAAACAACATTGCCTTCTTATAAATAAAGATTTGCATTGCTAAGTATTTT-3'

ClinVar aggregate classification (germline): Uncertain significance (1 of 4 stars; one submission).

Conditions:
Early Myoclonic Encephalopathy. Identifiers: MedGen C0270855.

gnomAD v4.1: 1 of 1,602,532 alleles (0.000062%); highest among the groups gnomAD compares: East Asian, 0.0022%; no homozygotes.

Submission:

Labcorp Genetics (formerly Invitae), Labcorp
Classification: Uncertain significance for Early Myoclonic Encephalopathy. Last evaluated: 2022-07-12. Review status: criteria provided, single submitter. Criteria: Invitae Variant Classification Sherloc (09022015). Collection method: clinical testing. Allele origin: germline.
Comment: ClinVar contains an entry for this variant (Variation ID: 1061532). This sequence change creates a premature translational stop signal (p.Tyr2278*) in the JMJD1C gene. It is expected to result in an absent or disrupted protein product. However, the current clinical and genetic evidence is not sufficient to establish whether loss-of-function variants in JMJD1C cause disease. This variant is not present in population databases (gnomAD no frequency). This variant has not been reported in the literature in individuals affected with JMJD1C-related conditions. Algorithms developed to predict the effect of sequence changes on RNA splicing suggest that this variant may create or strengthen a splice site. In summary, the available evidence is currently insufficient to determine the role of this variant in disease. Therefore, it has been classified as a Variant of Uncertain Significance.